The following is an entry in ClinVar:

ClinVar aggregate classification (germline): Uncertain significance (1 of 4 stars; one submission).

Allele frequency attached by ClinVar (database versions not stated): gnomAD 0.00001; gnomAD exomes 0.00003; TOPMed 0.00003; ESP Exome Variant Server 0.00008.
gnomAD v4.1: 41 of 1,613,902 alleles (0.0025%); highest among the groups gnomAD compares: Non-Finnish European, 0.0035%; no homozygotes.

Submission:

Labcorp Genetics (formerly Invitae), Labcorp
Classification: Uncertain significance. Last evaluated: 2024-01-08. Review status: criteria provided, single submitter. Criteria: Invitae Variant Classification Sherloc (09022015). Collection method: clinical testing. Allele origin: germline.
Comment: This sequence change replaces serine, which is neutral and polar, with phenylalanine, which is neutral and non-polar, at codon 1683 of the RP1 protein (p.Ser1683Phe). This variant is present in population databases (rs375430744, gnomAD 0.0009%). This variant has not been reported in the literature in individuals affected with RP1-related conditions. ClinVar contains an entry for this variant (Variation ID: 1900032). Algorithms developed to predict the effect of missense changes on protein structure and function output the following: SIFT: "Not Available"; PolyPhen-2: "Benign"; Align-GVGD: "Not Available". The phenylalanine amino acid residue is found in multiple mammalian species, which suggests that this missense change does not adversely affect protein function. In summary, the available evidence is currently insufficient to determine the role of this variant in disease. Therefore, it has been classified as a Variant of Uncertain Significance.

NM_006269.2(RP1):c.5048C>T (p.Ser1683Phe)

Genes: RP1 (RP1 axonemal microtubule associated; plus strand), LOC126860392 (CDK7 strongly-dependent group 2 enhancer GRCh37_chr8:55541319-55542518; plus strand). Cytogenetic location: 8q12.1.
Variant type: single nucleotide variant.
Coding change: c.5048C>T on transcript NM_006269.2 (MANE Select); coding-DNA position 5048, C replaced by T.
Protein change: p.Ser1683Phe; replaces serine 1683 with phenylalanine.
Molecular consequence: missense variant. On other transcripts: intron variant (1).
Genome position (GRCh38, 1-based): chr8:54,628,930, C>T. VCF-style: chr8-54628930-C-T. GRCh37 (hg19) VCF-style: chr8-55541490-C-T.
Other names: c.787+6642C>T (NM_001375654.1); short protein forms S1683F.
Identifiers: ClinVar variation 1900032 (VCV001900032.5), dbSNP rs375430744, ClinGen allele CA177182974.
Genomic context (GRCh38, chr8:54,628,930, plus strand): 5'-AATTTCAGTGTTCCAGGAAAGCAAGTCTTTATGATTCTGAAGGGCAGTCATTTGGCTCTT[C>T]TGAACAGGTATCTAGTAGTTCATCTATGTTGCAGGAATTCCAGGAGGAAAGACAAGATAA-3'
Protein context (NP_006260.1, residues 1673-1693): YDSEGQSFGS[Ser1683Phe]EQVSSSSSML